The following is an entry in ClinVar:

ClinVar aggregate classification (germline): Likely benign (1 of 4 stars; one submission).

gnomAD v4.1: 163 of 1,614,158 alleles (0.01%); highest among the groups gnomAD compares: Middle Eastern, 0.17%; 2 homozygotes.

Submission:

CeGaT Center for Human Genetics Tuebingen
Classification: Likely benign. Last evaluated: 2026-07-01. Review status: criteria provided, single submitter. Criteria: CeGaT Center For Human Genetics Tuebingen Variant Classification Criteria Version 2. Collection method: clinical testing. Allele origin: germline. Affected: yes. Observed: 2 variant alleles.
Comment: THSD4: BP4, BP7

NM_024817.3(THSD4):c.1830G>T (p.Pro610=)

Gene: THSD4 (thrombospondin type 1 domain containing 4; plus strand). Cytogenetic location: 15q23.
Variant type: single nucleotide variant.
Coding change: c.1830G>T on transcript NM_024817.3 (MANE Select); coding-DNA position 1830, G replaced by T.
Protein change: p.Pro610=; no amino-acid change (proline 610 retained).
Molecular consequence: synonymous variant.
Genome position (GRCh38, 1-based): chr15:71,737,931, G>T. VCF-style: chr15-71737931-G-T. GRCh37 (hg19) VCF-style: chr15-72030270-G-T.
Other names: c.750G>T, p.Pro250= (NM_001286429.2); c.1830G>T, p.Pro610= (NM_001394532.1).
Identifiers: ClinVar variation 4821119 (VCV004821119.4).